The following is an entry in ClinVar:

ClinVar aggregate classification (germline): Uncertain significance (1 of 4 stars; one submission).

Conditions:
Long QT syndrome (LQTS). Identifiers: MedGen C0023976, MeSH D008133, MONDO:0002442. Disease mechanism: loss of function. Inheritance: Various modes of inheritance.

Submission:

All of Us Research Program, National Institutes of Health
Classification: Uncertain significance for Long QT syndrome. Last evaluated: 2024-08-06. Review status: criteria provided, single submitter. Criteria: ACMG Guidelines, 2015. Collection method: clinical testing. Allele origin: germline. Inheritance: Autosomal dominant inheritance. Observed: 1 variant allele, 1 heterozygote.
Comment: This study involves interpretation of variants in research participants for the purpose of population health screening. Participant phenotype was not available at the time of variant classification. Additional details can be found in publication PMID: 35346344, PMCID: PMC8962531

NM_000238.4(KCNH2):c.263G>A (p.Gly88Asp)

Gene: KCNH2 (potassium voltage-gated channel subfamily H member 2; minus strand). Cytogenetic location: 7q36.1.
Variant type: single nucleotide variant.
Coding change: c.263G>A on transcript NM_000238.4 (MANE Select); coding-DNA position 263, G replaced by A.
Protein change: p.Gly88Asp; replaces glycine 88 with aspartic acid.
Molecular consequence: missense variant. On other transcripts: non-coding transcript variant (1).
Genome position (GRCh38, 1-based): chr7:150,974,755, C>T on the plus strand (G>A on the coding strand, the complement: KCNH2 is on the minus strand). VCF-style: chr7-150974755-C-T. GRCh37 (hg19) VCF-style: chr7-150671843-C-T.
Other names: c.86G>A, p.Gly29Asp (NM_001406755.1); c.263G>A, p.Gly88Asp (NM_172056.3); short protein forms G29D, G88D.
Identifiers: ClinVar variation 3386917 (VCV003386917.1).
Genomic context (GRCh38, chr7:150,974,755, plus strand): 5'-CCCGGCCCGCTCCTACCATCTTTCCGGTAGAAGGCGATTTCCACTTTGCGCTCCTCGGCG[C>T]CCAGCAGTGCCTGCGCGATCTGCGCGGCAGCGCGGCGCTGCGTGCGCGGCCCGTGCAGGA-3'
Protein context (NP_000229.1, residues 78-98): AAAQIAQALL[Gly88Asp]AEERKVEIAF